The following is an entry in ClinVar:

NM_000540.3(RYR1):c.14090A>G (p.Asp4697Gly)

Gene: RYR1 (ryanodine receptor 1; plus strand). Cytogenetic location: 19q13.2.
Variant type: single nucleotide variant.
Coding change: c.14090A>G on transcript NM_000540.3 (MANE Select); coding-DNA position 14090, A replaced by G.
Protein change: p.Asp4697Gly; replaces aspartic acid 4697 with glycine.
Molecular consequence: missense variant.
Genome position (GRCh38, 1-based): chr19:38,573,268, A>G. VCF-style: chr19-38573268-A-G. GRCh37 (hg19) VCF-style: chr19-39063908-A-G.
Other names: c.14075A>G, p.Asp4692Gly (NM_001042723.2); short protein forms D4692G, D4697G.
Identifiers: ClinVar variation 3070553 (VCV003070553.1), dbSNP rs2514718594, ClinGen allele CA405682476.

ClinVar aggregate classification (germline): Uncertain significance (1 of 4 stars; one submission).

Conditions:
Malignant hyperthermia, susceptibility to, 1 (MHS1). Also called: RYR1-Related Malignant Hyperthermia Susceptibility; Anesthesia related hyperthermia; Malignant hyperpyrexia; Fulminating hyperpyrexia; Pharmacogenic myopathy; Malignant hyperthermia suceptibility 1. Identifiers: Orphanet 423, MedGen C2930980, MONDO:0007783, OMIM 145600.

Submission:

All of Us Research Program, National Institutes of Health
Classification: Uncertain significance for Malignant hyperthermia, susceptibility to, 1. Last evaluated: 2023-04-27. Review status: criteria provided, single submitter. Criteria: ACMG Guidelines, 2015. Collection method: clinical testing. Allele origin: germline. Inheritance: Autosomal dominant inheritance. Observed: 1 variant allele, 1 heterozygote.
Comment: This study involves interpretation of variants in research participants for the purpose of population health screening. Participant phenotype was not available at the time of variant classification. Additional details can be found in publication PMID: 35346344, PMCID: PMC8962531